The following is an entry in ClinVar:

ClinVar aggregate classification (germline): Likely pathogenic (1 of 4 stars; one submission).

Conditions:
Frontometaphyseal dysplasia (FMD1). Identifiers: Orphanet 1826, MedGen C0265293, MONDO:0015942.
Oto-palato-digital syndrome, type II (OPD2). Also called: FACIOPALATOOSSEOUS SYNDROME; OPD II SYNDROME; Otopalatodigital Syndrome, Type II; Otopalatodigital Syndrome Type 2 (FLNA-OPD2). Identifiers: Orphanet 669, Orphanet 90652, MedGen C1844696, MONDO:0010571, OMIM 304120.
Heterotopia, periventricular, X-linked dominant (PVNH1). Also called: PERIVENTRICULAR NODULAR HETEROTOPIA 1; X-linked periventricular heterotopia; PERIVENTRICULAR NODULAR HETEROTOPIA 4; HETEROTOPIA, PERIVENTRICULAR, 1. Identifiers: Orphanet 2149, Orphanet 82004, MedGen C1848213, MONDO:0010233, OMIM 300049.
Melnick-Needles syndrome (MNS). Also called: MELNICK-NEEDLES OSTEODYSPLASTY; OSTEODYSPLASTY OF MELNICK AND NEEDLES; Melnick-Needles Syndrome (FLNA-MNS). Identifiers: Orphanet 2484, MedGen C0025237, MONDO:0010650, OMIM 309350.

Submission:

Labcorp Genetics (formerly Invitae), Labcorp
Classification: Likely pathogenic for Oto-palato-digital syndrome, type II; Heterotopia, periventricular, X-linked dominant; Frontometaphyseal dysplasia; Melnick-Needles syndrome. Last evaluated: 2022-09-01. Review status: criteria provided, single submitter. Criteria: Invitae Variant Classification Sherloc (09022015). Collection method: clinical testing. Allele origin: germline.
Comment: Algorithms developed to predict the effect of sequence changes on RNA splicing suggest that this variant may create or strengthen a splice site. ClinVar contains an entry for this variant (Variation ID: 854776). This variant has been observed in individual(s) with clinical features of FLNA-related conditions (Invitae). In at least one individual the variant was observed to be de novo. This variant is not present in population databases (gnomAD no frequency). This variant, c.7747_7749del, results in the deletion of 1 amino acid(s) of the FLNA protein (p.Leu2583del), but otherwise preserves the integrity of the reading frame. In summary, the currently available evidence indicates that the variant is pathogenic, but additional data are needed to prove that conclusively. Therefore, this variant has been classified as Likely Pathogenic.

NM_001110556.2(FLNA):c.7768CTG[1] (p.Leu2591del)

Genes: FLNA (filamin A; minus strand), LOC107988032 (Xq28 proximal FLNA-EMD recombination region; plus strand). Cytogenetic location: Xq28.
Variant type: Microsatellite.
Coding change: c.7768CTG[1] on transcript NM_001110556.2 (MANE Select); one copy of the 3-base unit CTG starting at c.7768; the reference has two copies in a row; one copy, 3 bases deleted.
Protein change: p.Leu2591del; deletes leucine 2591.
Molecular consequence: inframe deletion.
Genome position (GRCh38, 1-based): chrX:154,349,020-154,349,022, CAG deleted on the plus strand (CTG on the coding strand, the reverse complement: FLNA is on the minus strand); deleting any 3 consecutive bases within chrX:154,349,020-154,349,027 gives the same sequence; the position shown is the placement nearest the transcript's 3' end. VCF-style (leftmost placement, unchanged base first): chrX-154349019-CCAG-C. GRCh37 (hg19) VCF-style: chrX-153577387-CCAG-C.
Other names: c.7747_7749del (NM_001456.3); c.7744CTG[1], p.Leu2583del (NM_001456.4); short protein forms L2583del, L2591del.
Identifiers: ClinVar variation 854776 (VCV000854776.10), dbSNP rs2067597172, ClinGen allele CA916084019.